The following is an entry in ClinVar:

NM_001164508.2(NEB):c.20503C>T (p.Arg6835Ter)

Gene: NEB (nebulin; minus strand). Cytogenetic location: 2q23.3.
Variant type: single nucleotide variant.
Coding change: c.20503C>T on transcript NM_001164508.2 (MANE Select); coding-DNA position 20503, C replaced by T.
Protein change: p.Arg6835Ter; replaces arginine 6835 with a stop codon.
Molecular consequence: nonsense.
Genome position (GRCh38, 1-based): chr2:151,545,962, G>A on the plus strand (C>T on the coding strand, the complement: NEB is on the minus strand). VCF-style: chr2-151545962-G-A. GRCh37 (hg19) VCF-style: chr2-152402476-G-A.
Other names: NM_001164508.2(NEB):c.20503C>T; p.Arg6835Ter; c.20503C>T, p.Arg6835Ter (NM_001164507.2, NM_001271208.2); c.15400C>T, p.Arg5134Ter (NM_004543.5); short protein forms R6835*, R5134*.
Identifiers: ClinVar variation 662526 (VCV000662526.10), dbSNP rs370098540, ClinGen allele CA348780166.

ClinVar aggregate classification (germline): Pathogenic/Likely pathogenic. Review status: criteria provided, multiple submitters, no conflicts (2 of 4 stars). 3 submissions from 3 submitters: Pathogenic (1); Likely pathogenic (2). Last evaluated 2025-11-06.

Conditions:
Nemaline myopathy. Also called: Myopathies, Nemaline. Identifiers: Orphanet 607, MedGen C0206157, MONDO:0018958.
Nemaline myopathy 2 (NEM2). Also called: Nemaline myopathy 2, autosomal recessive. Identifiers: MedGen C1850569, MONDO:0009725, OMIM 256030.

Allele frequency attached by ClinVar (database versions not stated): gnomAD 0.00001.
gnomAD v4.1: 15 of 1,596,440 alleles (0.00094%); highest among the groups gnomAD compares: Non-Finnish European, 0.0012%; no homozygotes.

Submissions (3):

Natera, Inc.
Classification: Likely pathogenic for Nemaline myopathy type 2. Last evaluated: 2025-11-06. Review status: criteria provided, single submitter. Criteria: Natera Variant Classification Schema (03/2026). Collection method: clinical testing. Allele origin: germline.
Comment: The c.20503C>T variant in NEB is a nonsense variant predicted to introduce a stop codon at amino acid 6835. This variant is expected to result in nonsense mediated decay, truncation, or a dysfunctional protein product. This variant is rare in the general population with a frequency below the threshold expected for the associated phenotype(s). Given the available evidence, this variant is classified as Likely Pathogenic.

Broad Center for Mendelian Genomics, Broad Institute of MIT and Harvard
Classification: Likely pathogenic for Nemaline myopathy. Last evaluated: 2025-03-04. Review status: criteria provided, single submitter. Criteria: ACMG Guidelines, 2015. Collection method: curation. Allele origin: germline. Inheritance: Autosomal recessive inheritance.
Comment: The p.Arg6835Ter variant in NEB has not been previously reported in the literature in individuals with nemaline myopathy, but has been identified in 0.001% (14/1170714) of European (non-Finnish) chromosomes by the Genome Aggregation Database (gnomAD; dbSNP ID: rs370098540). Although this variant has been seen in the general population in a heterozygous state, its frequency is low enough to be consistent with a recessive carrier frequency. This variant has also been reported in ClinVar (Variation ID: 662526) and has been interpreted as pathogenic by Invitae. This nonsense variant leads to a premature termination codon at position 6835, which is predicted to lead to a truncated or absent protein. Loss of function of the NEB gene is an established disease mechanism in autosomal recessive nemaline myopathy. In summary, although additional studies are required to fully establish its clinical significance, this variant is likely pathogenic for autosomal recessive nemaline myopathy. ACMG/AMP Criteria applied: PVS1, PM2_supporting (Richards 2015).

Labcorp Genetics (formerly Invitae), Labcorp
Classification: Pathogenic for Nemaline myopathy 2. Last evaluated: 2022-12-16. Review status: criteria provided, single submitter. Criteria: Invitae Variant Classification Sherloc (09022015). Collection method: clinical testing. Allele origin: germline.
Comment: For these reasons, this variant has been classified as Pathogenic. ClinVar contains an entry for this variant (Variation ID: 662526). This variant has not been reported in the literature in individuals affected with NEB-related conditions. This variant is not present in population databases (gnomAD no frequency). This sequence change creates a premature translational stop signal (p.Arg6835*) in the NEB gene. It is expected to result in an absent or disrupted protein product. Loss-of-function variants in NEB are known to be pathogenic (PMID: 25205138).

Literature cited by the submitters: PubMed 25205138 (cited by Labcorp Genetics (formerly Invitae), Labcorp).